The following is an entry in ClinVar:

ClinVar aggregate classification (germline): Uncertain significance (1 of 4 stars; one submission).

Submission:

Labcorp Genetics (formerly Invitae), Labcorp
Classification: Uncertain significance. Last evaluated: 2022-07-21. Review status: criteria provided, single submitter. Criteria: Invitae Variant Classification Sherloc (09022015). Collection method: clinical testing. Allele origin: germline.
Comment: In summary, the available evidence is currently insufficient to determine the role of this variant in disease. Therefore, it has been classified as a Variant of Uncertain Significance. This variant has not been reported in the literature in individuals affected with DBR1-related conditions. This variant is not present in population databases (gnomAD no frequency). This sequence change creates a premature translational stop signal (p.Glu24*) in the DBR1 gene. It is expected to result in an absent or disrupted protein product. However, the current clinical and genetic evidence is not sufficient to establish whether loss-of-function variants in DBR1 cause disease.

NM_016216.4(DBR1):c.70G>T (p.Glu24Ter)

Genes: DBR1 (debranching RNA lariats 1; minus strand), LOC129937648 (ATAC-STARR-seq lymphoblastoid active region 20601; plus strand). Cytogenetic location: 3q22.3.
Variant type: single nucleotide variant.
Coding change: c.70G>T on transcript NM_016216.4 (MANE Select); coding-DNA position 70, G replaced by T.
Protein change: p.Glu24Ter; replaces glutamic acid 24 with a stop codon.
Molecular consequence: nonsense.
Genome position (GRCh38, 1-based): chr3:138,174,726, C>A on the plus strand (G>T on the coding strand, the complement: DBR1 is on the minus strand). VCF-style: chr3-138174726-C-A. GRCh37 (hg19) VCF-style: chr3-137893568-C-A.
Other names: short protein forms E24*.
Identifiers: ClinVar variation 2018678 (VCV002018678.4), dbSNP rs1192486126, ClinGen allele CA354679318.